The following is an entry in ClinVar:

ClinVar aggregate classification (germline): Uncertain significance. Review status: criteria provided, single submitter (1 of 4 stars). 2 submissions from 2 submitters: Uncertain significance (1). 1 of the submissions does not count toward it. Last evaluated 2018-06-22.

Conditions:
INPP5E-related disorder. Also called: INPP5E-related condition.

gnomAD v4.1: 1 of 1,551,610 alleles (0.000064%); highest among the groups gnomAD compares: Non-Finnish European, 0.000087%; no homozygotes.

Submissions (2):

Blueprint Genetics
Classification: Uncertain significance. Last evaluated: 2018-06-22. Review status: criteria provided, single submitter. Criteria: ACMG Guidelines, 2015. Collection method: clinical testing. Allele origin: germline.

PreventionGenetics, part of Exact Sciences
Classification: Uncertain significance for INPP5E-related condition. Last evaluated: 2023-11-16. Review status: no assertion criteria provided. Collection method: clinical testing. Allele origin: germline. Not counted in ClinVar's aggregate classification.
Comment: The INPP5E c.1337T>A variant is predicted to result in the amino acid substitution p.Leu446Gln. To our knowledge, this variant has not been reported in the literature or in a large population database, indicating this variant is rare. At this time, the clinical significance of this variant is uncertain due to the absence of conclusive functional and genetic evidence.

NM_019892.6(INPP5E):c.1337T>A (p.Leu446Gln)

Gene: INPP5E (inositol polyphosphate-5-phosphatase E; minus strand). Cytogenetic location: 9q34.3.
Variant type: single nucleotide variant.
Coding change: c.1337T>A on transcript NM_019892.6 (MANE Select); coding-DNA position 1337, T replaced by A.
Protein change: p.Leu446Gln; replaces leucine 446 with glutamine.
Molecular consequence: missense variant.
Genome position (GRCh38, 1-based): chr9:136,432,529, A>T on the plus strand (T>A on the coding strand, the complement: INPP5E is on the minus strand). VCF-style: chr9-136432529-A-T. GRCh37 (hg19) VCF-style: chr9-139326981-A-T.
Other names: c.1334T>A, p.Leu445Gln (NM_001318502.2); short protein forms L445Q, L446Q.
Identifiers: ClinVar variation 3058324 (VCV003058324.3), dbSNP rs1238625120, ClinGen allele CA375563417.